The following is an entry in ClinVar:

NM_018946.4(NANS):c.131A>C (p.Lys44Thr)

Genes: NANS (N-acetylneuraminate synthase; plus strand), TRIM14 (tripartite motif containing 14; minus strand), LOC130002204 (ATAC-STARR-seq lymphoblastoid silent region 20113; plus strand). Cytogenetic location: 9q22.33.
Variant type: single nucleotide variant.
Coding change: c.131A>C on transcript NM_018946.4 (MANE Select); coding-DNA position 131, A replaced by C.
Protein change: p.Lys44Thr; replaces lysine 44 with threonine.
Molecular consequence: missense variant.
Genome position (GRCh38, 1-based): chr9:98,056,939, A>C. VCF-style: chr9-98056939-A-C. GRCh37 (hg19) VCF-style: chr9-100819221-A-C.
Other names: short protein forms K44T.
Identifiers: ClinVar variation 2968406 (VCV002968406.2), dbSNP rs752851244, ClinGen allele CA5150172.

ClinVar aggregate classification (germline): Uncertain significance (1 of 4 stars; one submission).

Allele frequency attached by ClinVar (database versions not stated): gnomAD 0.00001; gnomAD exomes 0.00002; TOPMed 0.00002; ExAC 0.00005.
gnomAD v4.1: 26 of 1,586,070 alleles (0.0016%); highest among the groups gnomAD compares: Non-Finnish European, 0.00017%; no homozygotes.

Submission:

Labcorp Genetics (formerly Invitae), Labcorp
Classification: Uncertain significance. Last evaluated: 2024-01-06. Review status: criteria provided, single submitter. Criteria: Invitae Variant Classification Sherloc (09022015). Collection method: clinical testing. Allele origin: germline.
Comment: This sequence change replaces lysine, which is basic and polar, with threonine, which is neutral and polar, at codon 44 of the NANS protein (p.Lys44Thr). This variant is present in population databases (rs752851244, gnomAD 0.2%). This variant has not been reported in the literature in individuals affected with NANS-related conditions. An algorithm developed to predict the effect of missense changes on protein structure and function (PolyPhen-2) suggests that this variant¬¨‚Ä†is likely to be tolerated. In summary, the available evidence is currently insufficient to determine the role of this variant in disease. Therefore, it has been classified as a Variant of Uncertain Significance.